The following is an entry in ClinVar:

NM_000065.5(C6):c.2288A>G (p.Lys763Arg)

Gene: C6 (complement C6; minus strand). Cytogenetic location: 5p13.1.
Variant type: single nucleotide variant.
Coding change: c.2288A>G on transcript NM_000065.5 (MANE Select); coding-DNA position 2288, A replaced by G.
Protein change: p.Lys763Arg; replaces lysine 763 with arginine.
Molecular consequence: missense variant.
Genome position (GRCh38, 1-based): chr5:41,153,812, T>C on the plus strand (A>G on the coding strand, the complement: C6 is on the minus strand). VCF-style: chr5-41153812-T-C. GRCh37 (hg19) VCF-style: chr5-41153914-T-C.
Other names: c.2288A>G, p.Lys763Arg (NM_001115131.4); c.2288A>G (NM_000065.3); short protein forms K763R.
Identifiers: ClinVar variation 1168091 (VCV001168091.11), dbSNP rs76553178, ClinGen allele CA3252175.
Genomic context (GRCh38, chr5:41,153,812, plus strand): 5'-CTACCAATCTCAGGGTGCACCACCTTATCAGACCCCAGAACACTGAGCTGCTACTCACCT[T>C]TTTCACAGGTGAGAGAGTTTGAAATGGGTGGTGTCCAGGAATTCCCCTGGCATGTGTACC-3'
Protein context (NP_000056.2, residues 753-773): PPISNSLTCE[Lys763Arg]DTLTKLKGHC

ClinVar aggregate classification (germline): Benign. Review status: criteria provided, single submitter (1 of 4 stars). 2 submissions from 2 submitters: Benign (1). 1 of the submissions does not count toward it. Last evaluated 2026-01-24.

Conditions:
C6-related disorder. Also called: C6-related condition.

Allele frequency attached by ClinVar (database versions not stated): gnomAD exomes 0.00106; ExAC 0.00142; gnomAD 0.00394 and 0.00423; ESP Exome Variant Server 0.00408; TOPMed 0.00439; 1000 Genomes Project 0.00699; 1000 Genomes Project 30x 0.00734.
gnomAD v4.1: 1,171 of 1,610,286 alleles (0.073%); highest among the groups gnomAD compares: African/African-American, 1.4%; 11 homozygotes.

Submissions (2):

Labcorp Genetics (formerly Invitae), Labcorp
Classification: Benign. Last evaluated: 2026-01-24. Review status: criteria provided, single submitter. Criteria: Invitae Variant Classification Sherloc (09022015). Collection method: clinical testing. Allele origin: germline.

PreventionGenetics, part of Exact Sciences
Classification: Likely benign for C6-related condition. Last evaluated: 2024-01-04. Review status: no assertion criteria provided. Collection method: clinical testing. Allele origin: germline. Not counted in ClinVar's aggregate classification.
Comment: This variant is classified as likely benign based on ACMG/AMP sequence variant interpretation guidelines (Richards et al. 2015 PMID: 25741868, with internal and published modifications).